The following is an entry in ClinVar:

NM_001844.5(COL2A1):c.292+258G>T

Gene: COL2A1 (collagen type II alpha 1 chain; minus strand). Cytogenetic location: 12q13.11.
Variant type: single nucleotide variant.
Coding change: c.292+258G>T on transcript NM_001844.5 (MANE Select); 258 bases into the intron after coding-DNA position 292, G replaced by T.
Molecular consequence: intron variant.
Genome position (GRCh38, 1-based): chr12:47,999,661, C>A on the plus strand (G>T on the coding strand, the complement: COL2A1 is on the minus strand). VCF-style: chr12-47999661-C-A. GRCh37 (hg19) VCF-style: chr12-48393444-C-A.
Other names: c.86-1230G>T (NM_033150.3).
Identifiers: ClinVar variation 670720 (VCV000670720.1), dbSNP rs1635532, ClinGen allele CA915948796.

ClinVar aggregate classification (germline): Benign (1 of 4 stars; one submission).

Allele frequency attached by ClinVar (database versions not stated): 1000 Genomes Project 30x 0.00344.

Submission:

GeneDx
Classification: Benign. Last evaluated: 2018-06-14. Review status: criteria provided, single submitter. Criteria: GeneDx Variant Classification (06012015). Collection method: clinical testing. Allele origin: germline. Affected: yes.
Comment: This variant is considered likely benign or benign based on one or more of the following criteria: it is a conservative change, it occurs at a poorly conserved position in the protein, it is predicted to be benign by multiple in silico algorithms, and/or has population frequency not consistent with disease.